The following is an entry in ClinVar:

NM_130384.3(ATRIP):c.1334C>A (p.Ala445Glu)

Genes: ATRIP (ATR interacting protein; plus strand), ATRIP-TREX1 (ATRIP-TREX1 readthrough; plus strand). Cytogenetic location: 3p21.31.
Variant type: single nucleotide variant.
Coding change: c.1334C>A on transcript NM_130384.3 (MANE Select); coding-DNA position 1334, C replaced by A.
Protein change: p.Ala445Glu; replaces alanine 445 with glutamic acid.
Molecular consequence: missense variant. On other transcripts: non-coding transcript variant (1).
Genome position (GRCh38, 1-based): chr3:48,460,388, C>A. VCF-style: chr3-48460388-C-A. GRCh37 (hg19) VCF-style: chr3-48501787-C-A.
Other names: c.953C>A, p.Ala318Glu (NM_001271022.2); c.1055C>A, p.Ala352Glu (NM_001271023.2); c.1334C>A, p.Ala445Glu (NM_032166.4); short protein forms A318E, A445E, A352E.
Identifiers: ClinVar variation 3975844 (VCV003975844.1).

ClinVar aggregate classification (germline): Uncertain significance (1 of 4 stars; one submission).

gnomAD v4.1: 2 of 1,613,436 alleles (0.00012%); highest among the groups gnomAD compares: South Asian, 0.0022%; no homozygotes.

Submission:

Ambry Genetics
Classification: Uncertain significance. Last evaluated: 2025-03-30. Review status: criteria provided, single submitter. Criteria: Ambry Variant Classification Scheme 2023. Collection method: clinical testing. Allele origin: germline.
Comment: The p.A445E variant (also known as c.1334C>A), located in coding exon 8 of the ATRIP gene, results from a C to A substitution at nucleotide position 1334. The alanine at codon 445 is replaced by glutamic acid, an amino acid with dissimilar properties. This amino acid position is conserved. In addition, this alteration is predicted to be tolerated by in silico analysis. Based on the available evidence, the clinical significance of this variant remains unclear.